The following is an entry in ClinVar:

NM_002471.4(MYH6):c.2075T>C (p.Met692Thr)

Gene: MYH6 (myosin heavy chain 6; minus strand). Cytogenetic location: 14q11.2.
Variant type: single nucleotide variant.
Coding change: c.2075T>C on transcript NM_002471.4 (MANE Select); coding-DNA position 2075, T replaced by C.
Protein change: p.Met692Thr; replaces methionine 692 with threonine.
Molecular consequence: missense variant.
Genome position (GRCh38, 1-based): chr14:23,397,056, A>G on the plus strand (T>C on the coding strand, the complement: MYH6 is on the minus strand). VCF-style: chr14-23397056-A-G. GRCh37 (hg19) VCF-style: chr14-23866265-A-G.
Other names: short protein forms M692T.
Identifiers: ClinVar variation 3876441 (VCV003876441.2).

ClinVar aggregate classification (germline): Uncertain significance. Review status: criteria provided, multiple submitters, no conflicts (2 of 4 stars). 2 submissions from 2 submitters: Uncertain significance (2). Last evaluated 2025-07-20.

Conditions:
Cardiovascular phenotype. Identifiers: MedGen CN230736.
Hypertrophic cardiomyopathy 14. Identifiers: MedGen C2750467, MONDO:0013197, OMIM 613251.

gnomAD v4.1: 1 of 1,614,190 alleles (0.000062%); highest among the groups gnomAD compares: Non-Finnish European, 0.000085%; no homozygotes.

Submissions (2):

Labcorp Genetics (formerly Invitae), Labcorp
Classification: Uncertain significance for Hypertrophic cardiomyopathy 14. Last evaluated: 2025-07-20. Review status: criteria provided, single submitter. Criteria: Invitae Variant Classification Sherloc (09022015). Collection method: clinical testing. Allele origin: germline.
Comment: This sequence change replaces methionine, which is neutral and non-polar, with threonine, which is neutral and polar, at codon 692 of the MYH6 protein (p.Met692Thr). This variant is not present in population databases (gnomAD no frequency). This variant has not been reported in the literature in individuals affected with MYH6-related conditions. ClinVar contains an entry for this variant (Variation ID: 3876441). Invitae Evidence Modeling of protein sequence and biophysical properties (such as structural, functional, and spatial information, amino acid conservation, physicochemical variation, residue mobility, and thermodynamic stability) indicates that this missense variant is expected to disrupt MYH6 protein function with a positive predictive value of 80%. In summary, the available evidence is currently insufficient to determine the role of this variant in disease. Therefore, it has been classified as a Variant of Uncertain Significance.

Ambry Genetics
Classification: Uncertain significance for Cardiovascular phenotype. Last evaluated: 2025-01-11. Review status: criteria provided, single submitter. Criteria: Ambry Variant Classification Scheme 2023. Collection method: clinical testing. Allele origin: germline.
Comment: The p.M692T variant (also known as c.2075T>C), located in coding exon 16 of the MYH6 gene, results from a T to C substitution at nucleotide position 2075. The methionine at codon 692 is replaced by threonine, an amino acid with similar properties. This amino acid position is conserved. In addition, the in silico prediction for this alteration is inconclusive. Based on the available evidence, the clinical significance of this variant remains unclear.